The following is an entry in ClinVar:

ClinVar aggregate classification (germline): Likely benign (0 of 4 stars; one submission).

Conditions:
TJP1-related disorder. Also called: TJP1-related condition.

Allele frequency attached by ClinVar (database versions not stated): gnomAD exomes 0.00005; ExAC 0.00017; ESP Exome Variant Server 0.00042; gnomAD 0.00047; TOPMed 0.00054; 1000 Genomes Project 0.00080.
gnomAD v4.1: 158 of 1,613,866 alleles (0.0098%); highest among the groups gnomAD compares: African/African-American, 0.16%; no homozygotes.

Submission:

PreventionGenetics, part of Exact Sciences
Classification: Likely benign for TJP1-related condition. Last evaluated: 2019-07-25. Review status: no assertion criteria provided. Collection method: clinical testing. Allele origin: germline.
Comment: This variant is classified as likely benign based on ACMG/AMP sequence variant interpretation guidelines (Richards et al. 2015 PMID: 25741868, with internal and published modifications).

NM_001330239.4(TJP1):c.4464A>G (p.Pro1488=)

Gene: TJP1 (tight junction protein 1; minus strand). Cytogenetic location: 15q13.1.
Variant type: single nucleotide variant.
Coding change: c.4464A>G on transcript NM_001330239.4 (MANE Select); coding-DNA position 4464, A replaced by G.
Protein change: p.Pro1488=; no amino-acid change (proline 1488 retained).
Molecular consequence: synonymous variant.
Genome position (GRCh38, 1-based): chr15:29,708,945, T>C on the plus strand (A>G on the coding strand, the complement: TJP1 is on the minus strand). VCF-style: chr15-29708945-T-C. GRCh37 (hg19) VCF-style: chr15-30001149-T-C.
Other names: c.4743A>G, p.Pro1581= (NM_001301025.3, NM_001355012.2); c.4236A>G, p.Pro1412= (NM_001301026.2); c.4476A>G, p.Pro1492= (NM_001355013.1); c.4464A>G, p.Pro1488= (NM_001355014.2, NM_003257.5); c.4224A>G, p.Pro1408= (NM_001355015.2, NM_175610.4).
Identifiers: ClinVar variation 3050288 (VCV003050288.2), dbSNP rs61736880, ClinGen allele CA7446497.
Genomic context (GRCh38, chr15:29,708,945, plus strand): 5'-GGCTTTATCTGGAAAACTTTTCTGGGGATAGAAAGCTGCCTGAGCAGTATCTTCTCGGTT[T>C]GGTGGTCTGAAAGTTGCTGGCTTATTCTGAGATGGAGGTGGGTCTGGTTTGGACACTAAG-3'
Protein context (NP_001317168.1, residues 1478-1498): SQNKPATFRP[Pro1488=]NREDTAQAAF